The following is an entry in ClinVar:

ClinVar aggregate classification (germline): Benign/Likely benign. Review status: criteria provided, multiple submitters, no conflicts (2 of 4 stars). 2 submissions from 2 submitters: Benign (1); Likely benign (1). Last evaluated 2025-04-01.

Allele frequency attached by ClinVar (database versions not stated): ESP Exome Variant Server 0.00008; gnomAD exomes 0.00009; gnomAD 0.00027; TOPMed 0.00031; ExAC 0.00037; 1000 Genomes Project 30x 0.00172; 1000 Genomes Project 0.00220.
gnomAD v4.1: 181 of 1,603,714 alleles (0.011%); highest among the groups gnomAD compares: East Asian, 0.35%; no homozygotes.

Submissions (2):

CeGaT Center for Human Genetics Tuebingen
Classification: Likely benign. Last evaluated: 2025-04-01. Review status: criteria provided, single submitter. Criteria: CeGaT Center For Human Genetics Tuebingen Variant Classification Criteria Version 2. Collection method: clinical testing. Allele origin: germline. Affected: yes. Observed: 1 variant allele.
Comment: PHIP: BP4, BP7

Labcorp Genetics (formerly Invitae), Labcorp
Classification: Benign. Last evaluated: 2024-12-02. Review status: criteria provided, single submitter. Criteria: Invitae Variant Classification Sherloc (09022015). Collection method: clinical testing. Allele origin: germline.

NM_017934.7(PHIP):c.1647T>C (p.Tyr549=)

Gene: PHIP (PHIP subunit of CUL4-Ring ligase complex; minus strand). Cytogenetic location: 6q14.1.
Variant type: single nucleotide variant.
Coding change: c.1647T>C on transcript NM_017934.7 (MANE Select); coding-DNA position 1647, T replaced by C.
Protein change: p.Tyr549=; no amino-acid change (tyrosine 549 retained).
Molecular consequence: synonymous variant.
Genome position (GRCh38, 1-based): chr6:79,003,736, A>G on the plus strand (T>C on the coding strand, the complement: PHIP is on the minus strand). VCF-style: chr6-79003736-A-G. GRCh37 (hg19) VCF-style: chr6-79713453-A-G.
Identifiers: ClinVar variation 2159819 (VCV002159819.11), dbSNP rs70937070, ClinGen allele CA3900138.